The following is an entry in ClinVar:

ClinVar aggregate classification (germline): Uncertain significance (1 of 4 stars; one submission).

Conditions:
Hereditary cancer-predisposing syndrome. Also called: Neoplastic Syndromes, Hereditary; Tumor predisposition; Hereditary neoplastic syndrome; Hereditary Cancer Syndrome. Identifiers: Orphanet 140162, MedGen C0027672, MeSH D009386, MONDO:0015356.

Submission:

Ambry Genetics
Classification: Uncertain significance for Hereditary cancer-predisposing syndrome. Last evaluated: 2023-01-13. Review status: criteria provided, single submitter. Criteria: Ambry Variant Classification Scheme 2023. Collection method: clinical testing. Allele origin: germline.
Comment: The c.4235_4236delCCinsTG variant (also known as p.P1412L), located in coding exon 23 of the PTCH1 gene, results from an in-frame deletion of CC and insertion of TG at nucleotide positions 4235 to 4236. This results in the substitution of the proline residue for a leucine residue at codon 1412, an amino acid with similar properties. This amino acid position is highly conserved in available vertebrate species. In addition, this alteration is predicted to be neutral by in silico analysis (Choi Y et al. PLoS ONE. 2012; 7(10):e46688). Since supporting evidence is limited at this time, the clinical significance of this alteration remains unclear.

NM_000264.5(PTCH1):c.4235_4236delinsTG (p.Pro1412Leu)

Gene: PTCH1 (patched 1; minus strand). Cytogenetic location: 9q22.32.
Variant type: Indel.
Coding change: c.4235_4236delinsTG on transcript NM_000264.5 (MANE Select); coding-DNA positions 4235 to 4236, CC replaced by TG.
Protein change: p.Pro1412Leu; replaces proline 1412 with leucine.
Molecular consequence: missense variant. On other transcripts: non-coding transcript variant (1).
Genome position (GRCh38, 1-based): chr9:95,447,020-95,447,021, GG replaced by CA on the plus strand (CC replaced by TG on the coding strand, the reverse complement: PTCH1 is on the minus strand). VCF-style: chr9-95447020-GG-CA. GRCh37 (hg19) VCF-style: chr9-98209302-GG-CA.
Other names: c.4037_4038delinsTG, p.Pro1346Leu (NM_001083602.3); c.4232_4233delinsTG, p.Pro1411Leu (NM_001083603.3); c.3782_3783delinsTG, p.Pro1261Leu (NM_001083604.3, NM_001083605.3, NM_001083606.3 and 1 more transcripts); c.4079_4080delinsTG, p.Pro1360Leu (NM_001354918.2); short protein forms P1346L, P1412L, P1261L, P1360L, P1411L.
Identifiers: ClinVar variation 2449650 (VCV002449650.2), dbSNP rs2537995597, ClinGen allele CA2580080739.